The following is an entry in ClinVar:

NM_000081.4(LYST):c.4876A>G (p.Thr1626Ala)

Gene: LYST (lysosomal trafficking regulator; minus strand). Cytogenetic location: 1q42.3.
Variant type: single nucleotide variant.
Coding change: c.4876A>G on transcript NM_000081.4 (MANE Select); coding-DNA position 4876, A replaced by G.
Protein change: p.Thr1626Ala; replaces threonine 1626 with alanine.
Molecular consequence: missense variant.
Genome position (GRCh38, 1-based): chr1:235,782,074, T>C on the plus strand (A>G on the coding strand, the complement: LYST is on the minus strand). VCF-style: chr1-235782074-T-C. GRCh37 (hg19) VCF-style: chr1-235945374-T-C.
Other names: c.4876A>G, p.Thr1626Ala (NM_001301365.1); short protein forms T1626A.
Identifiers: ClinVar variation 1464278 (VCV001464278.5), dbSNP rs917766927, ClinGen allele CA344956506.

ClinVar aggregate classification (germline): Uncertain significance (1 of 4 stars; one submission).

Conditions:
Chédiak-Higashi syndrome (CHS). Also called: Chediak-Higashi Syndrome. Identifiers: Orphanet 167, MedGen C0007965, MONDO:0008963, OMIM 214500.

Submission:

Labcorp Genetics (formerly Invitae), Labcorp
Classification: Uncertain significance for Chédiak-Higashi syndrome. Last evaluated: 2021-09-01. Review status: criteria provided, single submitter. Criteria: Invitae Variant Classification Sherloc (09022015). Collection method: clinical testing. Allele origin: germline.
Comment: This sequence change replaces threonine with alanine at codon 1626 of the LYST protein (p.Thr1626Ala). The threonine residue is weakly conserved and there is a small physicochemical difference between threonine and alanine. This variant is not present in population databases (ExAC no frequency). This variant has not been reported in the literature in individuals affected with LYST-related conditions. Algorithms developed to predict the effect of missense changes on protein structure and function (SIFT, PolyPhen-2, Align-GVGD) all suggest that this variant is likely to be tolerated. In summary, the available evidence is currently insufficient to determine the role of this variant in disease. Therefore, it has been classified as a Variant of Uncertain Significance.